The following is an entry in ClinVar:

NM_000318.3(PEX2):c.452T>C (p.Leu151Pro)

Gene: PEX2 (peroxisomal biogenesis factor 2; minus strand). Cytogenetic location: 8q21.13.
Variant type: single nucleotide variant.
Coding change: c.452T>C on transcript NM_000318.3 (MANE Select); coding-DNA position 452, T replaced by C.
Protein change: p.Leu151Pro; replaces leucine 151 with proline.
Molecular consequence: missense variant.
Genome position (GRCh38, 1-based): chr8:76,983,727, A>G on the plus strand (T>C on the coding strand, the complement: PEX2 is on the minus strand). VCF-style: chr8-76983727-A-G. GRCh37 (hg19) VCF-style: chr8-77895963-A-G.
Other names: c.452T>C, p.Leu151Pro (NM_001079867.2, NM_001172086.2, NM_001172087.2); short protein forms L151P.
Identifiers: ClinVar variation 1461553 (VCV001461553.3), dbSNP rs2132043971, ClinGen allele CA371557311.

ClinVar aggregate classification (germline): Uncertain significance (1 of 4 stars; one submission).

Conditions:
Peroxisome biogenesis disorder 5A (Zellweger) (PBD5A). Identifiers: Orphanet 912, MedGen C3553940, MONDO:0013932, OMIM 614866.

Submission:

Labcorp Genetics (formerly Invitae), Labcorp
Classification: Uncertain significance for Peroxisome biogenesis disorder 5A (Zellweger). Last evaluated: 2021-10-21. Review status: criteria provided, single submitter. Criteria: Invitae Variant Classification Sherloc (09022015). Collection method: clinical testing. Allele origin: germline.
Comment: This sequence change replaces leucine with proline at codon 151 of the PEX2 protein (p.Leu151Pro). The leucine residue is highly conserved and there is a moderate physicochemical difference between leucine and proline. This variant is not present in population databases (ExAC no frequency). This variant has not been reported in the literature in individuals affected with PEX2-related conditions. Algorithms developed to predict the effect of missense changes on protein structure and function (SIFT, PolyPhen-2, Align-GVGD) all suggest that this variant is likely to be disruptive. In summary, the available evidence is currently insufficient to determine the role of this variant in disease. Therefore, it has been classified as a Variant of Uncertain Significance.